The following is an entry in ClinVar:

NM_005585.5(SMAD6):c.1323dup (p.Glu442fs)

Gene: SMAD6 (SMAD family member 6; plus strand). Cytogenetic location: 15q22.31.
Variant type: Duplication.
Coding change: c.1323dup on transcript NM_005585.5 (MANE Select); coding-DNA position 1323, one base duplicated (C; older notation c.1323dupC).
Protein change: p.Glu442fs; shifts the reading frame from glutamic acid 442.
Molecular consequence: frameshift variant. On other transcripts: non-coding transcript variant (1).
Genome position (GRCh38, 1-based): chr15:66,781,367, C duplicated. VCF-style (leftmost placement, unchanged base first): chr15-66781366-T-TC. GRCh37 (hg19) VCF-style: chr15-67073704-T-TC.
Other names: short protein forms E442fs.
Identifiers: ClinVar variation 971718 (VCV000971718.7), dbSNP rs1894568566, ClinGen allele CA1139664041.

ClinVar aggregate classification (germline): Uncertain significance (1 of 4 stars; one submission).

Conditions:
Aortic valve disease 2 (AOVD2). Identifiers: MedGen C3542024, MONDO:0013902, OMIM 614823.

Submission:

Labcorp Genetics (formerly Invitae), Labcorp
Classification: Uncertain significance for Aortic valve disease 2. Last evaluated: 2019-10-29. Review status: criteria provided, single submitter. Criteria: Invitae Variant Classification Sherloc (09022015). Collection method: clinical testing. Allele origin: germline.
Comment: Experimental studies and prediction algorithms are not available or were not evaluated, and the functional significance of this variant is currently unknown. In summary, the available evidence is currently insufficient to determine the role of this variant in disease. Therefore, it has been classified as a Variant of Uncertain Significance. This variant has not been reported in the literature in individuals with SMAD6-related conditions. This variant is not present in population databases (ExAC no frequency). This sequence change results in a frameshift in the SMAD6 gene (p.Glu442Argfs*123). While this is not anticipated to result in nonsense mediated decay, it is expected to disrupt the last 75 amino acids of the SMAD6 protein and extend the protein by an additional 48 amino acids.